The following is an entry in ClinVar:

NC_000008.11:g.8725600_8730080del

Gene: LOC146081336 (uncharacterized LOC146081336). Cytogenetic location: 8p23.1.
Variant type: Deletion.
Genome position: GRCh38: chr8:8,725,600-8,730,080. GRCh37 (hg19): chr8:8,583,110-8,587,590.
Identifiers: ClinVar variation 157096 (VCV000157096.3), ClinGen allele CA212216.

ClinVar aggregate classification (germline): not provided. Review status: no classification provided (0 of 4 stars). 2 submissions from 1 submitter: not provided (2).

Conditions:
Gestational diabetes mellitus uncontrolled. Identifiers: MedGen C3532257.
Preeclampsia. Identifiers: Orphanet 275555, MedGen C0032914, MONDO:0005081, HP:0100602.

Submissions (2):

Institute of Molecular and Cell Biology, University of Tartu
No classification provided. Condition: Preeclampsia. Review status: no classification provided. Collection method: case-control. Allele origin: unknown. Affected: yes. Study: Kasak2014.
Comment: The study aimed to determine the contribution of copy number variants in the genetic etiology of normal and complicated pregnancies. The samples represented (i) maternal blood DNA drawn from healthy pregnant women during 1st or 2nd trimester and (ii) maternal and paternal blood DNA drawn at term pregnancy cases representing normal and complicated gestations (severe preeclampsia, PE; gestational diabetes, GD; small-for-gestational age newborn, SGA; large-for-gestational age newborn, LGA). We performed CNV calling based on genome-wide genotyping dataset (Illumina HumanOmniExpress-24-v1 BeadChip) by applying three algorithms, QuantiSNP, GADA (Genome Alteration Detection Algorithm) and CNstream in parallel. The acquired CNV calls were merged with HD-CNV (Hotspot Detector for Copy Number Variants) program and only the CNVs predicted by at least two programs, were considered in subsequent analysis.

Institute of Molecular and Cell Biology, University of Tartu
No classification provided. Condition: Gestational diabetes mellitus uncontrolled. Review status: no classification provided. Collection method: case-control. Allele origin: unknown. Affected: yes. Study: Kasak2014.
Comment: the same text as in the submission from Institute of Molecular and Cell Biology, University of Tartu above.

Literature cited by the submitters: PubMed 25666259.